The following is an entry in ClinVar:

NM_199355.4(ADAMTS18):c.3262C>A (p.Leu1088Met)

Gene: ADAMTS18 (ADAM metallopeptidase with thrombospondin type 1 motif 18; minus strand). Cytogenetic location: 16q23.1.
Variant type: single nucleotide variant.
Coding change: c.3262C>A on transcript NM_199355.4 (MANE Select); coding-DNA position 3262, C replaced by A.
Protein change: p.Leu1088Met; replaces leucine 1088 with methionine.
Molecular consequence: missense variant.
Genome position (GRCh38, 1-based): chr16:77,291,406, G>T on the plus strand (C>A on the coding strand, the complement: ADAMTS18 is on the minus strand). VCF-style: chr16-77291406-G-T. GRCh37 (hg19) VCF-style: chr16-77325303-G-T.
Other names: c.2746C>A, p.Leu916Met (NM_001326358.2); c.3262C>A (NM_199355.3, NM_199355.2); short protein forms L1088M, L916M.
Identifiers: ClinVar variation 1102336 (VCV001102336.14), dbSNP rs145823665, ClinGen allele CA8180522.

ClinVar aggregate classification (germline): Conflicting classifications of pathogenicity. Review status: criteria provided, conflicting classifications (1 of 4 stars). 5 submissions from 5 submitters: Uncertain significance (1); Benign (1); Likely benign (2). 1 of the submissions does not count toward it. Last evaluated 2026-01-19.

Conditions:
ADAMTS18-related disorder. Also called: ADAMTS18-related condition.
Inborn genetic diseases. Identifiers: MedGen C0950123, MeSH D030342.

Allele frequency attached by ClinVar (database versions not stated): gnomAD exomes 0.00008 and 0.00028; ExAC 0.00033; gnomAD 0.00089 and 0.00094; TOPMed 0.00106; ESP Exome Variant Server 0.00108; 1000 Genomes Project 0.00160; 1000 Genomes Project 30x 0.00172.
gnomAD v4.1: 273 of 1,614,160 alleles (0.017%); highest among the groups gnomAD compares: African/African-American, 0.29%; 1 homozygote.

Submissions (5):

Labcorp Genetics (formerly Invitae), Labcorp
Classification: Likely benign. Last evaluated: 2026-01-19. Review status: criteria provided, single submitter. Criteria: Invitae Variant Classification Sherloc (09022015). Collection method: clinical testing. Allele origin: germline.

Ambry Genetics
Classification: Uncertain significance for Inborn genetic diseases. Last evaluated: 2024-09-10. Review status: criteria provided, single submitter. Criteria: Ambry Variant Classification Scheme 2023. Collection method: clinical testing. Allele origin: germline.

Blueprint Genetics
Classification: Benign. Last evaluated: 2024-05-24. Review status: criteria provided, single submitter. Criteria: ACMG Guidelines, 2015. Collection method: clinical testing. Allele origin: germline.

Breakthrough Genomics
Classification: Likely benign. Review status: criteria provided, single submitter. Criteria: ACMG Guidelines, 2015. Collection method: not provided. Allele origin: germline. Inheritance: Autosomal recessive inheritance. Affected: yes.

PreventionGenetics, part of Exact Sciences
Classification: Likely benign for ADAMTS18-related condition. Last evaluated: 2023-04-04. Review status: no assertion criteria provided. Collection method: clinical testing. Allele origin: germline. Not counted in ClinVar's aggregate classification.
Comment: This variant is classified as likely benign based on ACMG/AMP sequence variant interpretation guidelines (Richards et al. 2015 PMID: 25741868, with internal and published modifications).